The following is an entry in ClinVar:

ClinVar aggregate classification (germline): Uncertain significance. Review status: criteria provided, multiple submitters, no conflicts (2 of 4 stars). 6 submissions from 6 submitters: Uncertain significance (5). 1 of the submissions does not count toward it. Last evaluated 2026-03-27.

Conditions:
CDH23-related disorder. Also called: CDH23-related disorders; CDH23-related condition.
Autosomal recessive nonsyndromic hearing loss 12. Also called: DEAFNESS, AUTOSOMAL RECESSIVE 12. Identifiers: Orphanet 90636, MedGen C1832394, MONDO:0011067, OMIM 601386.
Pituitary adenoma 5, multiple types. Identifiers: MedGen C4539685, MONDO:0054601, OMIM 617540.
Usher syndrome type 1D (USH1D). Also called: USHER SYNDROME, TYPE ID. Identifiers: Orphanet 231169, Orphanet 886, MedGen C1832845, MONDO:0010984, OMIM 601067.
Usher syndrome type 1 (USH1). Also called: RETINITIS PIGMENTOSA AND CONGENITAL DEAFNESS. Identifiers: Orphanet 231169, Orphanet 886, MedGen C1568247, MONDO:0010168, OMIM 276900.

Allele frequency attached by ClinVar (database versions not stated): ExAC 0.00002; gnomAD exomes 0.00003; TOPMed 0.00005.
gnomAD v4.1: 44 of 1,613,964 alleles (0.0027%); highest among the groups gnomAD compares: East Asian, 0.0067%; no homozygotes.

Submissions (6):

PreventionGenetics, part of Exact Sciences
Classification: Uncertain significance for CDH23-related condition. Last evaluated: 2026-03-27. Review status: criteria provided, single submitter. Criteria: ACMG Guidelines, 2015. Collection method: clinical testing. Allele origin: germline.
Comment: The CDH23 c.9002G>A variant is predicted to result in the amino acid substitution p.Arg3001Gln. To our knowledge, this variant has not been reported in the literature. This variant is present in 0.011% of alleles in individuals of East Asian descent in gnomAD. At this time, the clinical significance of this variant is uncertain due to the absence of conclusive functional and genetic evidence.

Labcorp Genetics (formerly Invitae), Labcorp
Classification: Uncertain significance. Last evaluated: 2024-10-22. Review status: criteria provided, single submitter. Criteria: Invitae Variant Classification Sherloc (09022015). Collection method: clinical testing. Allele origin: germline.
Comment: This sequence change replaces arginine, which is basic and polar, with glutamine, which is neutral and polar, at codon 3001 of the CDH23 protein (p.Arg3001Gln). This variant is present in population databases (rs111033467, gnomAD 0.01%). This variant has not been reported in the literature in individuals affected with CDH23-related conditions. ClinVar contains an entry for this variant (Variation ID: 46064). Invitae Evidence Modeling of protein sequence and biophysical properties (such as structural, functional, and spatial information, amino acid conservation, physicochemical variation, residue mobility, and thermodynamic stability) has been performed for this missense variant. However, the output from this modeling did not meet the statistical confidence thresholds required to predict the impact of this variant on CDH23 protein function. In summary, the available evidence is currently insufficient to determine the role of this variant in disease. Therefore, it has been classified as a Variant of Uncertain Significance.

Women's Health and Genetics/Laboratory Corporation of America, LabCorp
Classification: Uncertain significance. Last evaluated: 2022-04-29. Review status: criteria provided, single submitter. Criteria: LabCorp Variant Classification Summary - May 2015. Collection method: clinical testing. Allele origin: germline.
Comment: Variant summary: CDH23 c.9002G>A (p.Arg3001Gln) results in a conservative amino acid change in the encoded protein sequence. Three of five in-silico tools predict a benign effect of the variant on protein function. The variant allele was found at a frequency of 3.2e-05 in 249256 control chromosomes (gnomAD). The available data on variant occurrences in the general population are insufficient to allow any conclusion about variant significance. To our knowledge, no occurrence of c.9002G>A in individuals affected with Usher Syndrome and no experimental evidence demonstrating its impact on protein function have been reported. One clinical diagnostic laboratory has submitted clinical-significance assessments for this variant to ClinVar after 2014 without evidence for independent evaluation and classified the variant as uncertain significance. Based on the evidence outlined above, the variant was classified as uncertain significance.

Fulgent Genetics
Classification: Uncertain significance for Usher syndrome type 1D; Autosomal recessive nonsyndromic hearing loss 12; Pituitary adenoma 5, multiple types. Last evaluated: 2021-11-29. Review status: criteria provided, single submitter. Criteria: ACMG Guidelines, 2015. Collection method: clinical testing. Allele origin: unknown.

Laboratory for Molecular Medicine, Mass General Brigham Personalized Medicine
Classification: Uncertain significance. Last evaluated: 2011-04-27. Review status: criteria provided, single submitter. Criteria: LMM Criteria. Collection method: clinical testing. Allele origin: germline. Observed: 2 variant alleles.
Comment: The Arg3001Gln in CDH23 has not been reported in the literature nor previously i dentified by our laboratory in any other families. Computational analyses (bioch emical amino acid properties, homology, PolyPhen2, SIFT, AlignGVGD) do not provi de strong support for or against pathogenicity. Although this finding is consistent with a causative role, because two si blings have a 50% chance of sharing any variant by chance, the clinical signific ance of this variant still cannot be determined at this time.

Natera, Inc.
Classification: Uncertain significance for Usher syndrome type 1. Last evaluated: 2019-10-28. Review status: no assertion criteria provided. Collection method: clinical testing. Allele origin: germline. Not counted in ClinVar's aggregate classification.

NM_022124.6(CDH23):c.9002G>A (p.Arg3001Gln)

Gene: CDH23 (cadherin related 23; plus strand). Cytogenetic location: 10q22.1.
Variant type: single nucleotide variant.
Coding change: c.9002G>A on transcript NM_022124.6 (MANE Select); coding-DNA position 9002, G replaced by A.
Protein change: p.Arg3001Gln; replaces arginine 3001 with glutamine.
Molecular consequence: missense variant.
Genome position (GRCh38, 1-based): chr10:71,810,494, G>A. VCF-style: chr10-71810494-G-A. GRCh37 (hg19) VCF-style: chr10-73570251-G-A.
Other names: c.2282G>A, p.Arg761Gln (NM_001171933.1, NM_001171934.1); short protein forms R3001Q, R761Q.
Identifiers: ClinVar variation 46064 (VCV000046064.12), dbSNP rs111033467, ClinGen allele CA137623.